The following is an entry in ClinVar:

ClinVar aggregate classification (germline): Uncertain significance (1 of 4 stars; one submission).

Submission:

GeneDx
Classification: Uncertain significance. Last evaluated: 2026-03-28. Review status: criteria provided, single submitter. Criteria: GeneDx Variant Classification Process June 2021. Collection method: clinical testing. Allele origin: germline.
Comment: Not observed at significant frequency in large population cohorts (gnomAD); In silico analysis suggests that this missense variant does not alter protein structure/function; Has not been previously published as pathogenic or benign to our knowledge; This variant is associated with the following publications: (PMID: 36068917)

NM_178014.4(TUBB):c.1232C>G (p.Ala411Gly)

Gene: TUBB (tubulin beta class I; plus strand). Cytogenetic location: 6p21.33.
Variant type: single nucleotide variant.
Coding change: c.1232C>G on transcript NM_178014.4 (MANE Select); coding-DNA position 1232, C replaced by G.
Protein change: p.Ala411Gly; replaces alanine 411 with glycine.
Molecular consequence: missense variant. On other transcripts: non-coding transcript variant (1).
Genome position (GRCh38, 1-based): chr6:30,724,294, C>G. VCF-style: chr6-30724294-C-G. GRCh37 (hg19) VCF-style: chr6-30692071-C-G.
Other names: c.1292C>G, p.Ala431Gly (NM_001293212.2); c.626C>G, p.Ala209Gly (NM_001293213.2); c.1100C>G, p.Ala367Gly (NM_001293214.2); c.1016C>G, p.Ala339Gly (NM_001293215.2, NM_001293216.2); short protein forms A209G, A339G, A367G, A411G, A431G.
Identifiers: ClinVar variation 5016684 (VCV005016684.1).